The following is an entry in ClinVar:

ClinVar aggregate classification (germline): Uncertain significance. Review status: criteria provided, multiple submitters, no conflicts (2 of 4 stars). 3 submissions from 3 submitters: Uncertain significance (3). Last evaluated 2024-07-17.

gnomAD v4.1: 3 of 1,613,656 alleles (0.00019%); highest among the groups gnomAD compares: Non-Finnish European, 0.00025%; no homozygotes.

Submissions (3):

Labcorp Genetics (formerly Invitae), Labcorp
Classification: Uncertain significance. Last evaluated: 2024-07-17. Review status: criteria provided, single submitter. Criteria: Invitae Variant Classification Sherloc (09022015). Collection method: clinical testing. Allele origin: germline.
Comment: This sequence change replaces proline, which is neutral and non-polar, with leucine, which is neutral and non-polar, at codon 1538 of the COL11A1 protein (p.Pro1538Leu). This variant is not present in population databases (gnomAD no frequency). This variant has not been reported in the literature in individuals affected with COL11A1-related conditions. ClinVar contains an entry for this variant (Variation ID: 1218804). Advanced modeling of protein sequence and biophysical properties (such as structural, functional, and spatial information, amino acid conservation, physicochemical variation, residue mobility, and thermodynamic stability) performed at Invitae indicates that this missense variant is not expected to disrupt COL11A1 protein function with a negative predictive value of 95%. In summary, the available evidence is currently insufficient to determine the role of this variant in disease. Therefore, it has been classified as a Variant of Uncertain Significance.

Blueprint Genetics
Classification: Uncertain significance. Last evaluated: 2023-09-28. Review status: criteria provided, single submitter. Criteria: ACMG Guidelines, 2015. Collection method: clinical testing. Allele origin: germline.

GeneDx
Classification: Uncertain significance. Last evaluated: 2020-09-25. Review status: criteria provided, single submitter. Criteria: GeneDx Variant Classification Process June 2021. Collection method: clinical testing. Allele origin: germline. Affected: yes.
Comment: Not observed in large population cohorts (Lek et al., 2016); In silico analysis supports that this missense variant has a deleterious effect on protein structure/function; Has not been previously published as pathogenic or benign to our knowledge

NM_001854.4(COL11A1):c.4613C>T (p.Pro1538Leu)

Gene: COL11A1 (collagen type XI alpha 1 chain; minus strand). Cytogenetic location: 1p21.1.
Variant type: single nucleotide variant.
Coding change: c.4613C>T on transcript NM_001854.4 (MANE Select); coding-DNA position 4613, C replaced by T.
Protein change: p.Pro1538Leu; replaces proline 1538 with leucine.
Molecular consequence: missense variant. On other transcripts: non-coding transcript variant (1).
Genome position (GRCh38, 1-based): chr1:102,887,052, G>A on the plus strand (C>T on the coding strand, the complement: COL11A1 is on the minus strand). VCF-style: chr1-102887052-G-A. GRCh37 (hg19) VCF-style: chr1-103352608-G-A.
Other names: c.4496C>T, p.Pro1499Leu (NM_001190709.2); c.4649C>T, p.Pro1550Leu (NM_080629.3); c.4265C>T, p.Pro1422Leu (NM_080630.4); short protein forms P1422L, P1499L, P1538L, P1550L.
Identifiers: ClinVar variation 1218804 (VCV001218804.6), dbSNP rs1474325280, ClinGen allele CA341212239.